The following is an entry in ClinVar:

NM_001329943.3(KIAA0586):c.938del (p.Tyr313fs)

Gene: KIAA0586 (KIAA0586; plus strand). Cytogenetic location: 14q23.1.
Variant type: Deletion.
Coding change: c.938del on transcript NM_001329943.3 (MANE Select); coding-DNA position 938, one base deleted (A; older notation c.938delA).
Protein change: p.Tyr313fs; shifts the reading frame from tyrosine 313.
Molecular consequence: frameshift variant.
Genome position (GRCh38, 1-based): chr14:58,448,470, A deleted. VCF-style (leftmost placement, unchanged base first): chr14-58448469-TA-T. GRCh37 (hg19) VCF-style: chr14-58915187-TA-T.
Other names: c.1097del, p.Tyr366fs (NM_001244189.2); c.893del, p.Tyr298fs (NM_001244190.2); c.683del, p.Tyr228fs (NM_001244191.2, NM_001329945.2, NM_001364700.1 and 1 more transcripts); c.806del, p.Tyr269fs (NM_001244192.2); c.518del, p.Tyr173fs (NM_001244193.2); c.938del, p.Tyr313fs (NM_001329944.2, NM_001329946.2, NM_001329947.2 and 1 more transcripts); short protein forms Y298fs, Y228fs, Y366fs, Y269fs, Y173fs, Y313fs.
Identifiers: ClinVar variation 1453326 (VCV001453326.6), dbSNP rs2140664007, ClinGen allele CA2521983961.
Genomic context (GRCh38, chr14:58,448,469, plus strand): 5'-GTGGAAAAGTATTCCGTAAAACCAGAACACCCTAATCTTGGTAGCTGTAATCCATCTTTA[TA>T]TAACACATTTGCTTCCAAACAAGGTAAAAATATGTAGTTCTCTATGAATAAAAAATGTCA-3'

ClinVar aggregate classification (germline): Pathogenic (1 of 4 stars; one submission).

Conditions:
Joubert syndrome 23 (JBTS23). Identifiers: Orphanet 475, MedGen C4084822, MONDO:0014664, OMIM 616490.
Short-rib thoracic dysplasia 14 with polydactyly (SRTD14). Identifiers: Orphanet 397715, MedGen C4225286, MONDO:0014688, OMIM 616546.

Submission:

Labcorp Genetics (formerly Invitae), Labcorp
Classification: Pathogenic for Joubert syndrome 23; Short-rib thoracic dysplasia 14 with polydactyly. Last evaluated: 2024-02-28. Review status: criteria provided, single submitter. Criteria: Invitae Variant Classification Sherloc (09022015). Collection method: clinical testing. Allele origin: germline.
Comment: This sequence change creates a premature translational stop signal (p.Tyr366Leufs*11) in the KIAA0586 gene. It is expected to result in an absent or disrupted protein product. Loss-of-function variants in KIAA0586 are known to be pathogenic (PMID: 26096313, 26166481, 26386044). This variant is not present in population databases (gnomAD no frequency). This variant has not been reported in the literature in individuals affected with KIAA0586-related conditions. ClinVar contains an entry for this variant (Variation ID: 1453326). For these reasons, this variant has been classified as Pathogenic.

Literature cited by the submitters: PubMed 26096313; PubMed 26166481; PubMed 26386044.